The following is an entry in ClinVar:

ClinVar aggregate classification (germline): Uncertain significance (1 of 4 stars; one submission).

Submission:

Labcorp Genetics (formerly Invitae), Labcorp
Classification: Uncertain significance. Last evaluated: 2022-04-29. Review status: criteria provided, single submitter. Criteria: Invitae Variant Classification Sherloc (09022015). Collection method: clinical testing. Allele origin: germline.
Comment: This variant has not been reported in the literature in individuals affected with SLC25A38-related conditions. This sequence change replaces methionine, which is neutral and non-polar, with isoleucine, which is neutral and non-polar, at codon 128 of the SLC25A38 protein (p.Met128Ile). This variant is not present in population databases (gnomAD no frequency). Algorithms developed to predict the effect of missense changes on protein structure and function output the following: SIFT: "Tolerated"; PolyPhen-2: "Benign"; Align-GVGD: "Class C0". The isoleucine amino acid residue is found in multiple mammalian species, which suggests that this missense change does not adversely affect protein function. In summary, the available evidence is currently insufficient to determine the role of this variant in disease. Therefore, it has been classified as a Variant of Uncertain Significance.

NM_017875.4(SLC25A38):c.384G>A (p.Met128Ile)

Gene: SLC25A38 (solute carrier family 25 member 38; plus strand). Cytogenetic location: 3p22.1.
Variant type: single nucleotide variant.
Coding change: c.384G>A on transcript NM_017875.4 (MANE Select); coding-DNA position 384, G replaced by A.
Protein change: p.Met128Ile; replaces methionine 128 with isoleucine.
Molecular consequence: missense variant.
Genome position (GRCh38, 1-based): chr3:39,391,548, G>A. VCF-style: chr3-39391548-G-A. GRCh37 (hg19) VCF-style: chr3-39433039-G-A.
Other names: c.384G>A, p.Met128Ile (NM_001354798.2); short protein forms M128I.
Identifiers: ClinVar variation 2131682 (VCV002131682.4), dbSNP rs2470553451, ClinGen allele CA352201026.